The following is an entry in ClinVar:

ClinVar aggregate classification (germline): Uncertain significance (1 of 4 stars; one submission).

Conditions:
Glycine encephalopathy. Also called: Nonketotic hyperglycinemia; Non-ketotic hyperglycinemia. Identifiers: Orphanet 407, MedGen C0751748, MONDO:0011612, HP:0008288.

gnomAD v4.1: 1 of 1,614,176 alleles (0.000062%); no homozygotes.

Submission:

Labcorp Genetics (formerly Invitae), Labcorp
Classification: Uncertain significance for Glycine encephalopathy. Last evaluated: 2024-04-15. Review status: criteria provided, single submitter. Criteria: Invitae Variant Classification Sherloc (09022015). Collection method: clinical testing. Allele origin: germline.
Comment: This sequence change replaces asparagine, which is neutral and polar, with serine, which is neutral and polar, at codon 654 of the GLDC protein (p.Asn654Ser). This variant is not present in population databases (gnomAD no frequency). This variant has not been reported in the literature in individuals affected with GLDC-related conditions. Advanced modeling of protein sequence and biophysical properties (such as structural, functional, and spatial information, amino acid conservation, physicochemical variation, residue mobility, and thermodynamic stability) performed at Invitae indicates that this missense variant is expected to disrupt GLDC protein function with a positive predictive value of 80%. In summary, the available evidence is currently insufficient to determine the role of this variant in disease. Therefore, it has been classified as a Variant of Uncertain Significance.

NM_000170.3(GLDC):c.1961A>G (p.Asn654Ser)

Gene: GLDC (glycine decarboxylase; minus strand). Cytogenetic location: 9p24.1.
Variant type: single nucleotide variant.
Coding change: c.1961A>G on transcript NM_000170.3 (MANE Select); coding-DNA position 1961, A replaced by G.
Protein change: p.Asn654Ser; replaces asparagine 654 with serine.
Molecular consequence: missense variant.
Genome position (GRCh38, 1-based): chr9:6,558,650, T>C on the plus strand (A>G on the coding strand, the complement: GLDC is on the minus strand). VCF-style: chr9-6558650-T-C. GRCh37 (hg19) VCF-style: chr9-6558650-T-C.
Other names: short protein forms N654S.
Identifiers: ClinVar variation 3688776 (VCV003688776.2).